The following is an entry in ClinVar:

NM_001184.4(ATR):c.3089T>A (p.Ile1030Lys)

Gene: ATR (ATR serine/threonine kinase; minus strand). Cytogenetic location: 3q23.
Variant type: single nucleotide variant.
Coding change: c.3089T>A on transcript NM_001184.4 (MANE Select); coding-DNA position 3089, T replaced by A.
Protein change: p.Ile1030Lys; replaces isoleucine 1030 with lysine.
Molecular consequence: missense variant.
Genome position (GRCh38, 1-based): chr3:142,549,561, A>T on the plus strand (T>A on the coding strand, the complement: ATR is on the minus strand). VCF-style: chr3-142549561-A-T. GRCh37 (hg19) VCF-style: chr3-142268403-A-T.
Other names: c.2897T>A, p.Ile966Lys (NM_001354579.2); short protein forms I1030K, I966K.
Identifiers: ClinVar variation 3331410 (VCV003331410.1).

ClinVar aggregate classification (germline): Uncertain significance (1 of 4 stars; one submission).

Conditions:
Inborn genetic diseases. Identifiers: MedGen C0950123, MeSH D030342.

Submission:

Ambry Genetics
Classification: Uncertain significance for Inborn genetic diseases. Last evaluated: 2024-03-28. Review status: criteria provided, single submitter. Criteria: Ambry Variant Classification Scheme 2023. Collection method: clinical testing. Allele origin: germline.
Comment: The p.I1030K variant (also known as c.3089T>A), located in coding exon 15 of the ATR gene, results from a T to A substitution at nucleotide position 3089. The isoleucine at codon 1030 is replaced by lysine, an amino acid with dissimilar properties. This amino acid position is conserved. In addition, this alteration is predicted to be deleterious by in silico analysis. Based on the available evidence, the clinical significance of this alteration remains unclear.